The following is an entry in ClinVar:

NM_005883.3(APC2):c.6361T>A (p.Ser2121Thr)

Gene: APC2 (APC regulator of Wnt signaling pathway 2; plus strand). Cytogenetic location: 19p13.3.
Variant type: single nucleotide variant.
Coding change: c.6361T>A on transcript NM_005883.3 (MANE Select); coding-DNA position 6361, T replaced by A.
Protein change: p.Ser2121Thr; replaces serine 2121 with threonine.
Molecular consequence: missense variant.
Genome position (GRCh38, 1-based): chr19:1,469,662, T>A. VCF-style: chr19-1469662-T-A. GRCh37 (hg19) VCF-style: chr19-1469661-T-A.
Other names: c.6358T>A, p.Ser2120Thr (NM_001351273.1); short protein forms S2120T, S2121T.
Identifiers: ClinVar variation 2080012 (VCV002080012.4), dbSNP rs1332983858, ClinGen allele CA403043387.

ClinVar aggregate classification (germline): Uncertain significance (1 of 4 stars; one submission).

Allele frequency attached by ClinVar (database versions not stated): TOPMed below 0.00001; gnomAD 0.00001.
gnomAD v4.1: 5 of 1,261,940 alleles (0.0004%); highest among the groups gnomAD compares: East Asian, 0.013%; no homozygotes.

Submission:

Labcorp Genetics (formerly Invitae), Labcorp
Classification: Uncertain significance. Last evaluated: 2024-10-24. Review status: criteria provided, single submitter. Criteria: Invitae Variant Classification Sherloc (09022015). Collection method: clinical testing. Allele origin: germline.
Comment: This sequence change replaces serine, which is neutral and polar, with threonine, which is neutral and polar, at codon 2121 of the APC2 protein (p.Ser2121Thr). This variant is present in population databases (no rsID available, gnomAD 0.06%). This variant has not been reported in the literature in individuals affected with APC2-related conditions. ClinVar contains an entry for this variant (Variation ID: 2080012). Invitae Evidence Modeling of protein sequence and biophysical properties (such as structural, functional, and spatial information, amino acid conservation, physicochemical variation, residue mobility, and thermodynamic stability) has been performed for this missense variant. However, the output from this modeling did not meet the statistical confidence thresholds required to predict the impact of this variant on APC2 protein function. In summary, the available evidence is currently insufficient to determine the role of this variant in disease. Therefore, it has been classified as a Variant of Uncertain Significance.